The following is an entry in ClinVar:

ClinVar aggregate classification (germline): Uncertain significance (1 of 4 stars; one submission).

Conditions:
Long QT syndrome 10 (LQT10). Identifiers: Orphanet 101016, Orphanet 768, MedGen C2678484, MONDO:0012737, OMIM 611819.

Allele frequency attached by ClinVar (database versions not stated): gnomAD exomes below 0.00001; TOPMed below 0.00001; ExAC 0.00001; gnomAD 0.00001.
gnomAD v4.1: 1 of 1,611,818 alleles (0.000062%); highest among the groups gnomAD compares: African/African-American, 0.0013%; no homozygotes.

Submission:

Labcorp Genetics (formerly Invitae), Labcorp
Classification: Uncertain significance for Long QT syndrome 10. Last evaluated: 2020-03-17. Review status: criteria provided, single submitter. Criteria: Invitae Variant Classification Sherloc (09022015). Collection method: clinical testing. Allele origin: germline.
Comment: Algorithms developed to predict the effect of missense changes on protein structure and function are either unavailable or do not agree on the potential impact of this missense change (SIFT: "Deleterious"; PolyPhen-2: "Probably Damaging"; Align-GVGD: "Class C0"). This variant has not been reported in the literature in individuals with SCN4B-related conditions. This variant is present in population databases (rs750707860, ExAC 0.01%). This sequence change replaces glutamic acid with glycine at codon 200 of the SCN4B protein (p.Glu200Gly). The glutamic acid residue is highly conserved and there is a moderate physicochemical difference between glutamic acid and glycine. In summary, the available evidence is currently insufficient to determine the role of this variant in disease. Therefore, it has been classified as a Variant of Uncertain Significance.

NM_174934.4(SCN4B):c.599A>G (p.Glu200Gly)

Gene: SCN4B (sodium voltage-gated channel beta subunit 4; minus strand). Cytogenetic location: 11q23.3.
Variant type: single nucleotide variant.
Coding change: c.599A>G on transcript NM_174934.4 (MANE Select); coding-DNA position 599, A replaced by G.
Protein change: p.Glu200Gly; replaces glutamic acid 200 with glycine.
Molecular consequence: missense variant. On other transcripts: non-coding transcript variant (1).
Genome position (GRCh38, 1-based): chr11:118,137,115, T>C on the plus strand (A>G on the coding strand, the complement: SCN4B is on the minus strand). VCF-style: chr11-118137115-T-C. GRCh37 (hg19) VCF-style: chr11-118007830-T-C.
Other names: c.197A>G, p.Glu66Gly (NM_001142348.2); c.269A>G, p.Glu90Gly (NM_001142349.2); short protein forms E66G, E90G, E200G.
Identifiers: ClinVar variation 1040302 (VCV001040302.8), dbSNP rs750707860, ClinGen allele CA6300139.